The following is an entry in ClinVar:

ClinVar aggregate classification (germline): Pathogenic/Likely pathogenic. Review status: criteria provided, multiple submitters, no conflicts (2 of 4 stars). 3 submissions from 3 submitters: Pathogenic (2); Likely pathogenic (1). Last evaluated 2026-01-21.

Conditions:
Hypertrophic cardiomyopathy. Also called: HYPERTROPHIC MYOCARDIOPATHY. Identifiers: Orphanet 217569, MedGen C0007194, MeSH D002312, MONDO:0005045, HP:0001639.
Cardiomyopathy (CMYO). Also called: Cardiomyopathies. Identifiers: Orphanet 167848, MedGen C0878544, MONDO:0004994, HP:0001638. Inheritance: Various modes of inheritance.

Submissions (3):

Labcorp Genetics (formerly Invitae), Labcorp
Classification: Pathogenic for Hypertrophic cardiomyopathy. Last evaluated: 2026-01-21. Review status: criteria provided, single submitter. Criteria: Invitae Variant Classification Sherloc (09022015). Collection method: clinical testing. Allele origin: germline.
Comment: This sequence change replaces valine, which is neutral and non-polar, with leucine, which is neutral and non-polar, at codon 878 of the MYH7 protein (p.Val878Leu). This variant is not present in population databases (gnomAD no frequency). This missense change has been observed in individuals with hypertrophic cardiomyopathy (PMID: 31735781; internal data). It has also been observed to segregate with disease in related individuals. ClinVar contains an entry for this variant (Variation ID: 582966). Invitae Evidence Modeling of protein sequence and biophysical properties (such as structural, functional, and spatial information, amino acid conservation, physicochemical variation, residue mobility, and thermodynamic stability) indicates that this missense variant is expected to disrupt MYH7 protein function with a positive predictive value of 95%. This variant is found within a region of MYH7 between codons 181 and 937 that contains the majority of the myosin head domain. Missense variants in this region have been shown to be significantly overrepresented in individuals with hypertrophic cardiomyopathy (PMID: 27532257). For these reasons, this variant has been classified as Pathogenic.

CHEO Genetics Diagnostic Laboratory, Children's Hospital of Eastern Ontario
Classification: Pathogenic for Cardiomyopathy. Last evaluated: 2025-02-13. Review status: criteria provided, single submitter. Criteria: ACMG Guidelines, 2015. Collection method: clinical testing. Allele origin: germline. Inheritance: Autosomal dominant inheritance.
Comment: The c.2632G>T variant causes an amino acid substitution, which replaces valine with leucine at position 878. It has not been reported in control populations in the Genome Aggregation Database (gnomAD). It has been previously reported in at least 2 apparently unrelated individuals and families with hypertrophic cardiomyopathy (PMID 31735781, CHEO internal data, ClinVar). This variant was reported to segregate with disease in one family (PMID 31735781). Different missense variants impacting the valine 878 residue (c.2632G>A, p.Val878Met; c.2633T>G, p.Val878Gly; c.2633T>C, p.Val878Ala) have been reported in individuals with hypertrophic cardiomyopathy in the literature (PMID 20031602, 20624503, 25132132). This variant is located within the head region (codons 181-937) of the Myosin-7 protein (NM_000257.2; NP_000248.2), where MYH7 pathogenic variants are significantly clustered (PMID 29300372). The Val878 residue is highly conserved across evolutionarily distant species. In silico analysis programs (SIFT, PolyPhen-2, Mutation Taster) predict this variant to have an impact on the protein function. This variant is listed in ClinVar (VCV000582966). Based on the above information, we categorize this variant as pathogenic.

GeneDx
Classification: Likely pathogenic. Last evaluated: 2021-05-20. Review status: criteria provided, single submitter. Criteria: GeneDx Variant Classification Process June 2021. Collection method: clinical testing. Allele origin: germline. Affected: yes.
Comment: Not observed in large population cohorts (Lek et al., 2016); In silico analysis supports that this missense variant does not alter protein structure/function; Reported in ClinVar (ClinVar Variant ID# 582966; Landrum et al., 2016); This variant is associated with the following publications: (PMID: 31735781)

Literature cited by the submitters: PubMed 31735781 (cited by Labcorp Genetics (formerly Invitae), Labcorp); PubMed 27532257 (cited by Labcorp Genetics (formerly Invitae), Labcorp).

NM_000257.4(MYH7):c.2632G>T (p.Val878Leu)

Genes: MYH7 (myosin heavy chain 7; minus strand), LOC126861898 (BRD4-independent group 4 enhancer GRCh37_chr14:23893609-23894808; plus strand). Cytogenetic location: 14q11.2.
Variant type: single nucleotide variant.
Coding change: c.2632G>T on transcript NM_000257.4 (MANE Select); coding-DNA position 2632, G replaced by T.
Protein change: p.Val878Leu; replaces valine 878 with leucine.
Molecular consequence: missense variant.
Genome position (GRCh38, 1-based): chr14:23,424,816, C>A on the plus strand (G>T on the coding strand, the complement: MYH7 is on the minus strand). VCF-style: chr14-23424816-C-A. GRCh37 (hg19) VCF-style: chr14-23894025-C-A.
Other names: short protein forms V878L.
Identifiers: ClinVar variation 582966 (VCV000582966.14), dbSNP rs730880751, ClinGen allele CA389047937.